The following is an entry in ClinVar:

ClinVar aggregate classification (germline): Likely pathogenic (1 of 4 stars; one submission).

Submission:

Labcorp Genetics (formerly Invitae), Labcorp
Classification: Likely pathogenic. Last evaluated: 2022-04-09. Review status: criteria provided, single submitter. Criteria: Invitae Variant Classification Sherloc (09022015). Collection method: clinical testing. Allele origin: germline.
Comment: In summary, the currently available evidence indicates that the variant is pathogenic, but additional data are needed to prove that conclusively. Therefore, this variant has been classified as Likely Pathogenic. This variant disrupts the triple helix domain of COL2A1. Glycine residues within the Gly-Xaa-Yaa repeats of the triple helix domain are required for the structure and stability of fibrillar collagens (PMID: 7695699, 8218237, 19344236). In COL2A1, variants affecting these glycine residues are significantly enriched in individuals with disease (PMID: 9016532, 17078022) compared to the general population (ExAC). Advanced modeling of protein sequence and biophysical properties (such as structural, functional, and spatial information, amino acid conservation, physicochemical variation, residue mobility, and thermodynamic stability) performed at Invitae indicates that this missense variant is expected to disrupt COL2A1 protein function. This missense change has been observed in individual(s) with COL2A1-related conditions (PMID: 26747767). This variant is not present in population databases (gnomAD no frequency). This sequence change replaces glycine, which is neutral and non-polar, with aspartic acid, which is acidic and polar, at codon 276 of the COL2A1 protein (p.Gly276Asp).

Literature cited by the submitters: PubMed 7695699; PubMed 8218237; PubMed 19344236; PubMed 9016532; PubMed 17078022; PubMed 26747767.

NM_001844.5(COL2A1):c.827G>A (p.Gly276Asp)

Gene: COL2A1 (collagen type II alpha 1 chain; minus strand). Cytogenetic location: 12q13.11.
Variant type: single nucleotide variant.
Coding change: c.827G>A on transcript NM_001844.5 (MANE Select); coding-DNA position 827, G replaced by A.
Protein change: p.Gly276Asp; replaces glycine 276 with aspartic acid.
Molecular consequence: missense variant.
Genome position (GRCh38, 1-based): chr12:47,994,037, C>T on the plus strand (G>A on the coding strand, the complement: COL2A1 is on the minus strand). VCF-style: chr12-47994037-C-T. GRCh37 (hg19) VCF-style: chr12-48387820-C-T.
Other names: c.620G>A, p.Gly207Asp (NM_033150.3); short protein forms G207D, G276D.
Identifiers: ClinVar variation 2137347 (VCV002137347.4), dbSNP rs2540169164, ClinGen allele CA384522362.